The following is an entry in ClinVar:

NM_004285.4(H6PD):c.948C>G (p.Tyr316Ter)

Gene: H6PD (hexose-6-phosphate dehydrogenase/glucose 1-dehydrogenase; plus strand). Cytogenetic location: 1p36.22.
Variant type: single nucleotide variant.
Coding change: c.948C>G on transcript NM_004285.4 (MANE Select); coding-DNA position 948, C replaced by G.
Protein change: p.Tyr316Ter; replaces tyrosine 316 with a stop codon.
Molecular consequence: nonsense.
Genome position (GRCh38, 1-based): chr1:9,262,261, C>G. VCF-style: chr1-9262261-C-G. GRCh37 (hg19) VCF-style: chr1-9322320-C-G.
Other names: H6PD, TYR316TER; c.981C>G, p.Tyr327Ter (NM_001282587.2); short protein forms Y316*, Y327*.
Identifiers: ClinVar variation 31586 (VCV000031586.10), dbSNP rs398122817, ClinGen allele CA129824.
Genomic context (GRCh38, chr1:9,262,261, plus strand): 5'-CTTCCAGGCGCTGCGGGGCCTGCAGAGGGGCAGTGCCGTCGTGGGCCAGTACCAGTCTTA[C>G]AGTGAGCAGGTGCGCAGAGAGCTGCAGAAGCCAGACAGCTTCCACAGCCTGACGCCGACC-3'

ClinVar aggregate classification (germline): Pathogenic. Review status: criteria provided, multiple submitters, no conflicts (2 of 4 stars). 3 submissions from 3 submitters: Pathogenic (2). 1 of the submissions does not count toward it. Last evaluated 2022-06-28.

Conditions:
Cortisone reductase deficiency 1 (CORTRD1). Identifiers: Orphanet 168588, MedGen C3551716, MONDO:0011503, OMIM 604931.

Allele frequency attached by ClinVar (database versions not stated): gnomAD exomes 0.00002; ExAC 0.00003; gnomAD 0.00009 and 0.00008; TOPMed 0.00006.
gnomAD v4.1: 106 of 1,611,992 alleles (0.0066%); highest among the groups gnomAD compares: Non-Finnish European, 0.0085%; no homozygotes.

Submissions (3):

Labcorp Genetics (formerly Invitae), Labcorp
Classification: Pathogenic. Last evaluated: 2022-06-28. Review status: criteria provided, single submitter. Criteria: Invitae Variant Classification Sherloc (09022015). Collection method: clinical testing. Allele origin: germline.
Comment: This sequence change creates a premature translational stop signal (p.Tyr316*) in the H6PD gene. It is expected to result in an absent or disrupted protein product. Loss-of-function variants in H6PD are known to be pathogenic (PMID: 16356929, 18628520). For these reasons, this variant has been classified as Pathogenic. Algorithms developed to predict the effect of sequence changes on RNA splicing suggest that this variant may disrupt the consensus splice site. ClinVar contains an entry for this variant (Variation ID: 31586). This premature translational stop signal has been observed in individual(s) with cortisone reductase deficiency (PMID: 18628520). This variant is present in population databases (rs398122817, gnomAD 0.004%).

Revvity Omics, Revvity
Classification: Pathogenic for Cortisone reductase deficiency 1. Last evaluated: 2019-10-03. Review status: criteria provided, single submitter. Criteria: ACMG Guidelines, 2015. Collection method: clinical testing. Allele origin: germline.

OMIM
Classification: Pathogenic for CORTISONE REDUCTASE DEFICIENCY 1. Last evaluated: 2008-10-01. Review status: no assertion criteria provided. Collection method: literature only. Allele origin: germline. Not counted in ClinVar's aggregate classification.

Literature cited by the submitters: PubMed 16356929 (cited by Labcorp Genetics (formerly Invitae), Labcorp); PubMed 18628520 (cited by Labcorp Genetics (formerly Invitae), Labcorp and OMIM); PubMed 12858176 (cited by OMIM).